The following is an entry in ClinVar:

NM_000384.3(APOB):c.2156T>C (p.Leu719Ser)

Gene: APOB (apolipoprotein B; minus strand). Cytogenetic location: 2p24.1.
Variant type: single nucleotide variant.
Coding change: c.2156T>C on transcript NM_000384.3 (MANE Select); coding-DNA position 2156, T replaced by C.
Protein change: p.Leu719Ser; replaces leucine 719 with serine.
Molecular consequence: missense variant.
Genome position (GRCh38, 1-based): chr2:21,026,876, A>G on the plus strand (T>C on the coding strand, the complement: APOB is on the minus strand). VCF-style: chr2-21026876-A-G. GRCh37 (hg19) VCF-style: chr2-21249748-A-G.
Other names: short protein forms L719S.
Identifiers: ClinVar variation 2928368 (VCV002928368.3), dbSNP rs2465416978, ClinGen allele CA346013233.
Genomic context (GRCh38, chr2:21,026,876, plus strand): 5'-CCAAAGTGGTCCACTAAGACCTTAGAGACACCATCAGGAACTTGACCATTAACCCAGTAC[A>G]AAGCTTTGTTGACACTGTCTGGGAAAAATCCTTGCTTCCCAAAAAGAGCTTCCAATGTTG-3'
Protein context (NP_000375.3, residues 709-729): GFFPDSVNKA[Leu719Ser]YWVNGQVPDG

ClinVar aggregate classification (germline): Uncertain significance (1 of 4 stars; one submission).

Conditions:
Hypercholesterolemia, autosomal dominant, type B (FHCL2). Also called: APOB-Related Familial Hypercholesterolemia, Autosomal Dominant; Familial Hypercholesterolemia Type B; APOLIPOPROTEIN B-100, FAMILIAL DEFECTIVE; APOLIPOPROTEIN B-100, FAMILIAL LIGAND-DEFECTIVE; HYPERCHOLESTEROLEMIA, FAMILIAL, DUE TO LIGAND-DEFECTIVE APOLIPOPROTEIN B; Hyperlipoproteinemia Type IIb. Identifiers: MedGen C1704417, MONDO:0007751, OMIM 144010.
Familial hypobetalipoproteinemia 1. Also called: Hypobetalipoproteinemia, normotriglyceridemic; Acanthocytosis with hypobetalipoproteinemia; APOB-Related Familial Hypobetalipoproteinemia. Identifiers: MedGen C4551990, MONDO:0014252, OMIM 615558.

Submission:

Labcorp Genetics (formerly Invitae), Labcorp
Classification: Uncertain significance for Familial hypobetalipoproteinemia 1; Hypercholesterolemia, autosomal dominant, type B. Last evaluated: 2023-10-12. Review status: criteria provided, single submitter. Criteria: Invitae Variant Classification Sherloc (09022015). Collection method: clinical testing. Allele origin: germline.
Comment: This sequence change replaces leucine, which is neutral and non-polar, with serine, which is neutral and polar, at codon 719 of the APOB protein (p.Leu719Ser). This variant is not present in population databases (gnomAD no frequency). This variant has not been reported in the literature in individuals affected with APOB-related conditions. Advanced modeling of protein sequence and biophysical properties (such as structural, functional, and spatial information, amino acid conservation, physicochemical variation, residue mobility, and thermodynamic stability) performed at Invitae indicates that this missense variant is not expected to disrupt APOB protein function. In summary, the available evidence is currently insufficient to determine the role of this variant in disease. Therefore, it has been classified as a Variant of Uncertain Significance.